The following is an entry in ClinVar:

NM_016653.3(MAP3K20):c.1696G>A (p.Asp566Asn)

Genes: MAP3K20 (mitogen-activated protein kinase kinase kinase 20; plus strand), MAP3K20-AS1 (MAP3K20 antisense RNA 1; minus strand). Cytogenetic location: 2q31.1.
Variant type: single nucleotide variant.
Coding change: c.1696G>A on transcript NM_016653.3 (MANE Select); coding-DNA position 1696, G replaced by A.
Protein change: p.Asp566Asn; replaces aspartic acid 566 with asparagine.
Molecular consequence: missense variant.
Genome position (GRCh38, 1-based): chr2:173,263,889, G>A. VCF-style: chr2-173263889-G-A. GRCh37 (hg19) VCF-style: chr2-174128617-G-A.
Other names: short protein forms D566N.
Identifiers: ClinVar variation 1414229 (VCV001414229.3), dbSNP rs537234498, ClinGen allele CA1970933.
Genomic context (GRCh38, chr2:173,263,889, plus strand): 5'-GTCCAACTTGCCATTCAGACATTATTCACCAATTCAGATGGCAACCCTGGAAGCAGGTCC[G>A]ACTCAAGTAAGTTAGTGTTCCCGTATTAGATGTGTGCTAGATTCCAGAAACTTAATTATG-3'
Protein context (NP_057737.2, residues 556-576): NSDGNPGSRS[Asp566Asn]SSADCQWLDT

ClinVar aggregate classification (germline): Uncertain significance (1 of 4 stars; one submission).

Allele frequency attached by ClinVar (database versions not stated): gnomAD 0.00005; TOPMed 0.00005; 1000 Genomes Project 30x 0.00016; 1000 Genomes Project 0.00020.
gnomAD v4.1: 49 of 1,606,936 alleles (0.003%); highest among the groups gnomAD compares: East Asian, 0.049%; no homozygotes.

Submission:

Labcorp Genetics (formerly Invitae), Labcorp
Classification: Uncertain significance. Last evaluated: 2022-07-29. Review status: criteria provided, single submitter. Criteria: Invitae Variant Classification Sherloc (09022015). Collection method: clinical testing. Allele origin: germline.
Comment: This sequence change replaces aspartic acid, which is acidic and polar, with asparagine, which is neutral and polar, at codon 566 of the MAP3K20 protein (p.Asp566Asn). This variant is present in population databases (rs537234498, gnomAD 0.06%). This variant has not been reported in the literature in individuals affected with MAP3K20-related conditions. ClinVar contains an entry for this variant (Variation ID: 1414229). Experimental studies and prediction algorithms are not available or were not evaluated, and the functional significance of this variant is currently unknown. In summary, the available evidence is currently insufficient to determine the role of this variant in disease. Therefore, it has been classified as a Variant of Uncertain Significance.